The following is an entry in ClinVar:

NM_004006.3(DMD):c.9568C>T (p.Arg3190Ter)

Gene: DMD (dystrophin; minus strand). Cytogenetic location: Xp21.2.
Variant type: single nucleotide variant.
Coding change: c.9568C>T on transcript NM_004006.3 (MANE Select); coding-DNA position 9568, C replaced by T.
Protein change: p.Arg3190Ter; replaces arginine 3190 with a stop codon.
Molecular consequence: nonsense.
Genome position (GRCh38, 1-based): chrX:31,206,663, G>A on the plus strand (C>T on the coding strand, the complement: DMD is on the minus strand). VCF-style: chrX-31206663-G-A. GRCh37 (hg19) VCF-style: chrX-31224780-G-A.
Other names: NP_003997.1:p.Arg3190*; c.9544C>T, p.Arg3182Ter (NM_000109.4); c.9556C>T, p.Arg3186Ter (NM_004009.3); c.9199C>T, p.Arg3067Ter (NM_004010.3); c.5545C>T, p.Arg1849Ter (NM_004011.4); c.5536C>T, p.Arg1846Ter (NM_004012.4); c.2188C>T, p.Arg730Ter (NM_004013.3, NM_004020.4, NM_004021.3 and 2 more transcripts); c.1381C>T, p.Arg461Ter (NM_004014.3); and 1 more; short protein forms R3190*, R122*, R1849*, R3067*, R3186*, R1846*, R730*, R3182*.
Identifiers: ClinVar variation 11282 (VCV000011282.31), dbSNP rs104894797, ClinGen allele CA273076.
Genomic context (GRCh38, chrX:31,206,663, plus strand): 5'-GTGCTTTACACAGGGAAATGATGCCAGTTTTAAAAGACAGGACACGGATCCTCCCTGTTC[G>A]TCCCCTATTATGAAGAATCAAAGCAGAAAACAATTACTGACCCTTTCCTAGAGGGTAAAC-3'

ClinVar aggregate classification (germline): Pathogenic. Review status: criteria provided, multiple submitters, no conflicts (2 of 4 stars). 13 submissions from 13 submitters: Pathogenic (12). 1 of the submissions does not count toward it. Last evaluated 2026-01-12.

Conditions:
Becker muscular dystrophy, Cardiomyopathy, Duchenne muscular dystrophy, Dystrophin deficiency.
Duchenne muscular dystrophy (DMD). Also called: MUSCULAR DYSTROPHY, PSEUDOHYPERTROPHIC PROGRESSIVE, DUCHENNE TYPE; Duchenne Muscular Dystrophy (DMD). Identifiers: Orphanet 98896, MedGen C0013264, MONDO:0010679, OMIM 310200.
Dilated cardiomyopathy 3B (CMD3B). Also called: CMD3B: DMD-Related Dilated Cardiomyopathy; CARDIOMYOPATHY, DILATED, X-LINKED; DMD-Associated Dilated Cardiomyopathy. Identifiers: Orphanet 154, MedGen C3668940, MONDO:0010542, OMIM 302045.
Becker muscular dystrophy (BMD). Also called: MUSCULAR DYSTROPHY, PSEUDOHYPERTROPHIC PROGRESSIVE, BECKER TYPE; Becker Muscular Dystrophy (BMD). Identifiers: Orphanet 98895, MedGen C0917713, MONDO:0010311, OMIM 300376.
Neuromuscular disease caused by qualitative or quantitative defects of dystrophin. Also called: Qualitative or quantitative defects of dystrophin. Identifiers: Orphanet 207085, MedGen C5679787, MONDO:0016147.

Allele frequency attached by ClinVar (database versions not stated): gnomAD exomes below 0.00001.
gnomAD v4.1: 1 of 1,205,106 alleles (0.000083%); highest among the groups gnomAD compares: Admixed American, 0.0022%; no homozygotes.

Submissions (13):

Labcorp Genetics (formerly Invitae), Labcorp
Classification: Pathogenic for Duchenne muscular dystrophy. Last evaluated: 2026-01-12. Review status: criteria provided, single submitter. Criteria: Invitae Variant Classification Sherloc (09022015). Collection method: clinical testing. Allele origin: germline.
Comment: This sequence change creates a premature translational stop signal (p.Arg3190*) in the DMD gene. It is expected to result in an absent or disrupted protein product. Loss-of-function variants in DMD are known to be pathogenic (PMID: 16770791, 25007885). The frequency data for this variant in the population databases is considered unreliable, as metrics indicate poor data quality at this position in the gnomAD database. This premature translational stop signal has been observed in individuals with Becker or Duchenne muscular dystrophy (PMID: 9544849, 27593222, 27750387). Invitae Evidence Modeling of clinical and family history, age, sex, and reported ancestry of multiple individuals with this DMD variant has been performed. This variant is expected to be pathogenic with a positive predictive value of at least 99%. This is a validated machine learning model that incorporates the clinical features of 600,801 individuals referred to our laboratory for DMD testing. ClinVar contains an entry for this variant (Variation ID: 11282). For these reasons, this variant has been classified as Pathogenic.

3billion
Classification: Pathogenic for Duchenne muscular dystrophy. Last evaluated: 2025-10-28. Review status: criteria provided, single submitter. Criteria: ACMG Guidelines, 2015. Collection method: clinical testing. Allele origin: germline. Affected: yes.
Comment: The variant is observed at an extremely low frequency in the gnomAD v4.1.0 dataset (total allele frequency: <0.001%). Predicted Consequence/Location: Stop-gained (nonsense): predicted to result in a loss or disruption of normal protein function through nonsense-mediated decay (NMD) or protein truncation. Multiple pathogenic variants are reported downstream of the variant. The variant has been reported at least twice as pathogenic with clinical assertions and evidence for the classification (ClinVar ID: VCV000011282 /PMID: 9544849 /3billion dataset). Therefore, this variant is classified as Pathogenic according to the recommendation of ACMG/AMP guideline.

Women's Health and Genetics/Laboratory Corporation of America, LabCorp
Classification: Pathogenic for Neuromuscular disease caused by qualitative or quantitative defects of dystrophin. Last evaluated: 2025-02-07. Review status: criteria provided, single submitter. Criteria: LabCorp Variant Classification Summary - May 2015. Collection method: clinical testing. Allele origin: germline.
Comment: Variant summary: DMD c.9568C>T (p.Arg3190X) results in a premature termination codon, predicted to cause a truncation of the encoded protein or absence of the protein due to nonsense mediated decay, which are commonly known mechanisms for disease. The frequency data for this variant in gnomAD is considered unreliable, as metrics indicate poor data quality at this position. c.9568C>T has been reported in the literature in individuals affected with Dystrophinopathies (e.g., Zhong_2017, Cho_2016). These data indicate that the variant is likely to be associated with disease. The following publications have been ascertained in the context of this evaluation (PMID: 27750387, 27593222). ClinVar contains an entry for this variant (Variation ID: 11282). Based on the evidence outlined above, the variant was classified as pathogenic.

Natera, Inc.
Classification: Pathogenic for Becker muscular dystrophy, Cardiomyopathy, Duchenne muscular dystrophy, Dystrophin deficiency. Last evaluated: 2024-10-16. Review status: criteria provided, single submitter. Criteria: Natera Variant Classification Schema (03/2026). Collection method: clinical testing. Allele origin: germline.
Comment: The c.9568C>T variant in DMD is a nonsense variant predicted to introduce a stop codon at amino acid 3190. This variant is expected to result in nonsense mediated decay, truncation, or a dysfunctional protein product. This variant is rare in the general population with a frequency below the threshold expected for the associated phenotype(s). This variant has been observed in affected individual(s) with monoallelic occurrence (heterozygous/hemizygous) (PMID: 31443951, 34297739, 20485447). Given the available evidence, this variant is classified as Pathogenic.

Revvity Omics, Revvity
Classification: Pathogenic. Last evaluated: 2023-05-19. Review status: criteria provided, single submitter. Criteria: ACMG Guidelines, 2015. Collection method: clinical testing. Allele origin: germline.

Laboratory of Medical Genetics, National & Kapodistrian University of Athens
Classification: Pathogenic for Duchenne muscular dystrophy. Last evaluated: 2022-12-16. Review status: criteria provided, single submitter. Criteria: ACMG Guidelines, 2015. Collection method: clinical testing. Allele origin: germline. Affected: yes.
Comment: PVS1, PM2, PP5

GeneDx
Classification: Pathogenic. Last evaluated: 2022-05-06. Review status: criteria provided, single submitter. Criteria: GeneDx Variant Classification Process June 2021. Collection method: clinical testing. Allele origin: germline. Affected: yes.
Comment: Nonsense variant predicted to result in protein truncation or nonsense mediated decay in a gene for which loss-of-function is a known mechanism of disease; Not observed at a significant frequency in large population cohorts (gnomAD); Based on the understanding of this genetic alteration, it may be amenable to nonsense read-through therapy that is currently available or in clinical trial for males; This variant is associated with the following publications: (PMID: 27750387, 27593222, 9544849, 28181689, 32559196, 25525159, 10094565, 15351422, 17041906, 17259292, 18652600, 19602481, 20485447, 31727011, 26968818, 34297739, 25007885, 16770791, 28152980, 26911353, 25612904, 23536893)

Victorian Clinical Genetics Services, Murdoch Childrens Research Institute
Classification: Pathogenic for Duchenne muscular dystrophy. Last evaluated: 2021-05-06. Review status: criteria provided, single submitter. Criteria: ACMG Guidelines, 2015. Collection method: clinical testing. Allele origin: germline.
Comment: Based on the classification scheme VCGS_Germline_v1.3.4, this variant is classified as Pathogenic. Following criteria are met: 0102 - Loss of function is a known mechanism of disease in this gene and is associated with Becker muscular dystrophy (MIM#300376), Duchenne muscular dystrophy (MIM#310200) and dilated cardiomyopathy, 3B (DCM) (MIM#302045). (I) 0109 - This gene is associated with X-linked recessive disease. This gene is primarily associated with X-linked recessive disease relating to the muscular dystrophy phenotypes. In addition, females heterozygous for a DMD pathogenic variant may be affected depending on the pattern of X-inactivation and are also at increased risk for X-linked dominant DCM (OMIM, PMID: 26066469). (I) 0201 - Variant is predicted to cause nonsense-mediated decay (NMD) and loss of protein (premature termination codon is located at least 54 nucleotides upstream of the final exon-exon junction). (SP) 0251 - This variant is heterozygous. (I) 0301 - Variant is absent from gnomAD (both v2 and v3). (SP) 0701 - Other NMD-predicted variants comparable to the one identified in this case have very strong previous evidence for pathogenicity (DECIPHER / ClinVar). (SP) 0801 - This variant has strong previous evidence of pathogenicity in unrelated individuals. While this variant has been identified in multiple individuals with Duchenne muscular dystrophy, it has also been reported as heterozygous in one individual with dilated cardiomyopathy 3B by a clinical diagnostic laboratory (ClinVar, PMIDs: 20485447, 23299919, 26968818, 30342905, 32559196). (SP) 1208 - Inheritance information for this variant is not currently available in this individual. (I) Legend: (SP) - Supporting pathogenic, (I) - Information, (SB) - Supporting benign

Institute of Human Genetics Munich, TUM University Hospital
Classification: Pathogenic for Dilated cardiomyopathy 3B. Last evaluated: 2017-11-08. Review status: criteria provided, single submitter. Criteria: Classification criteria August 2017. Collection method: clinical testing. Allele origin: maternal. Inheritance: X-linked inheritance. Affected: yes. Observed: 1 heterozygote.

Eurofins Ntd Llc (ga)
Classification: Pathogenic. Last evaluated: 2015-05-05. Review status: criteria provided, single submitter. Criteria: EGL Classification Definitions 2015. Collection method: clinical testing. Allele origin: germline. Observed: 3 variant alleles, 3 hemizygotes.

Athena Diagnostics
Classification: Pathogenic for Duchenne muscular dystrophy. Last evaluated: 2013-04-01. Review status: criteria provided, single submitter. Criteria: Athena Diagnostics Criteria. Collection method: clinical testing. Allele origin: germline. Inheritance: X-linked recessive inheritance.
Comment: X-linked recessive inheritance

Juno Genomics, Hangzhou Juno Genomics, Inc
Classification: Pathogenic for Becker muscular dystrophy; Dilated cardiomyopathy 3B; Duchenne muscular dystrophy. Review status: criteria provided, single submitter. Criteria: ACMG Guidelines, 2015. Collection method: clinical testing. Allele origin: germline.
Comment: Absent from controls (or at extremely low frequency if recessive) in Genome Aggregation Database.;Null variant in a gene where loss of function (LOF) is a known mechanism of disease.;The prevalence of the variant in affected individuals is significantly increased compared to the prevalence in controls.

OMIM
Classification: Pathogenic for DUCHENNE MUSCULAR DYSTROPHY. Last evaluated: 2000-07-01. Review status: no assertion criteria provided. Collection method: literature only. Allele origin: germline. Not counted in ClinVar's aggregate classification.

Literature cited by the submitters: PubMed 16770791 (cited by Labcorp Genetics (formerly Invitae), Labcorp); PubMed 25007885 (cited by Labcorp Genetics (formerly Invitae), Labcorp); PubMed 9544849 (cited by 4 submitters); PubMed 27593222 (cited by Labcorp Genetics (formerly Invitae), Labcorp and Women's Health and Genetics/Laboratory Corporation of America, LabCorp); PubMed 27750387 (cited by Labcorp Genetics (formerly Invitae), Labcorp and Women's Health and Genetics/Laboratory Corporation of America, LabCorp); PubMed 31443951 (cited by Natera, Inc.); PubMed 34297739 (cited by Natera, Inc.); PubMed 20485447 (cited by 3 submitters); PubMed 23299919 (cited by Victorian Clinical Genetics Services, Murdoch Childrens Research Institute); PubMed 26066469 (cited by Victorian Clinical Genetics Services, Murdoch Childrens Research Institute); PubMed 26968818 (cited by Victorian Clinical Genetics Services, Murdoch Childrens Research Institute); PubMed 30342905 (cited by Victorian Clinical Genetics Services, Murdoch Childrens Research Institute); PubMed 32559196 (cited by Victorian Clinical Genetics Services, Murdoch Childrens Research Institute); PubMed 18652600 (cited by Athena Diagnostics); PubMed 19602481 (cited by Athena Diagnostics); PubMed 17259292 (cited by Athena Diagnostics); PubMed 15351422 (cited by Athena Diagnostics); PubMed 10094565 (cited by Athena Diagnostics); PubMed 10909857 (cited by Athena Diagnostics and OMIM); PubMed 17041906 (cited by Athena Diagnostics).